The following is an entry in ClinVar:

ClinVar aggregate classification (germline): Uncertain significance (1 of 4 stars; one submission).

Allele frequency attached by ClinVar (database versions not stated): gnomAD 0.00001.

Submission:

Labcorp Genetics (formerly Invitae), Labcorp
Classification: Uncertain significance. Last evaluated: 2022-08-16. Review status: criteria provided, single submitter. Criteria: Invitae Variant Classification Sherloc (09022015). Collection method: clinical testing. Allele origin: germline.
Comment: This sequence change falls in intron 2 of the COA7 gene. It does not directly change the encoded amino acid sequence of the COA7 protein. It affects a nucleotide within the consensus splice site. This variant is not present in population databases (gnomAD no frequency). This variant has not been reported in the literature in individuals affected with COA7-related conditions. ClinVar contains an entry for this variant (Variation ID: 1351416). Variants that disrupt the consensus splice site are a relatively common cause of aberrant splicing (PMID: 17576681, 9536098). Algorithms developed to predict the effect of sequence changes on RNA splicing suggest that this variant is not likely to affect RNA splicing. In summary, the available evidence is currently insufficient to determine the role of this variant in disease. Therefore, it has been classified as a Variant of Uncertain Significance.

Literature cited by the submitters: PubMed 17576681; PubMed 9536098.

NM_023077.3(COA7):c.248-3C>T

Gene: COA7 (cytochrome c oxidase assembly factor 7; minus strand). Cytogenetic location: 1p32.3.
Variant type: single nucleotide variant.
Coding change: c.248-3C>T on transcript NM_023077.3 (MANE Select); 3 bases into the intron before coding-DNA position 248, C replaced by T.
Molecular consequence: intron variant.
Genome position (GRCh38, 1-based): chr1:52,688,171, G>A on the plus strand (C>T on the coding strand, the complement: COA7 is on the minus strand). VCF-style: chr1-52688171-G-A. GRCh37 (hg19) VCF-style: chr1-53153843-G-A.
Identifiers: ClinVar variation 1351416 (VCV001351416.3), dbSNP rs1644019768, ClinGen allele CA1001749256.